The following is an entry in ClinVar:

ClinVar aggregate classification (somatic clinical impact): Tier II - Potential (1 of 4 stars; one submission).

Conditions:
Pilocytic astrocytoma. Also called: Pilocytic astrocytoma, somatic. Identifiers: Orphanet 251612, MedGen C0334583, MONDO:0016691, HP:0033680.

Submission:

Institute for Genomic Medicine (IGM) Clinical Laboratory, Nationwide Children's Hospital
Classification: Tier II - Potential for Pilocytic astrocytoma. Assertion type: diagnostic. Clinical significance: supports diagnosis. Last evaluated: 2023-11-30. Review status: criteria provided, single submitter. Criteria: AMP/ASCO/CAP Guidelines, 2017. Collection method: clinical testing. Allele origin: somatic. Affected: yes.
Comment: Variant has Tier II (potential) clinical significance as a diagnostic inclusion criterion in pilocytic astrocytoma, based on the following evidence: 1) Appears in one or more well-established professional guidelines (e.g., World Health Organization [WHO]; National Comprehensive Cancer Network [NCCN]) as providing diagnostic, prognostic, or therapeutic information. 2) Diagnostic significance based on multiple small studies (Evidence Level C; PMIDs: 23583981, 30575814).

Literature cited by the submitters: PubMed 23583981; PubMed 30575814.

NM_004333.6(BRAF):c.1510_1517+1dup

Gene: BRAF (B-Raf proto-oncogene, serine/threonine kinase; minus strand). Cytogenetic location: 7q34.
Variant type: Duplication.
Coding change: c.1510_1517+1dup on transcript NM_004333.6 (MANE Select); coding-DNA position 1510 through the canonical splice donor site of the intron after coding-DNA position 1517, 9 bases duplicated (GTACTCAGG; older notation c.1510_1517+1dupGTACTCAGG).
Molecular consequence: splice donor variant.
Genome position (GRCh38, 1-based): chr7:140,777,990-140,777,998, CCTGAGTAC duplicated on the plus strand (GTACTCAGG on the coding strand, the reverse complement: BRAF is on the minus strand). VCF-style (leftmost placement, unchanged base first): chr7-140777989-A-ACCTGAGTAC. GRCh37 (hg19) VCF-style: chr7-140477789-A-ACCTGAGTAC.
Other names: c.1510_1517+1dup (NM_001378474.1, NM_001378468.1, NM_001354609.2); c.1408_1415+1dup (NM_001378470.1); c.1246_1253+1dup (NM_001378475.1); c.1399_1406+1dup (NM_001378471.1); c.1630_1637+1dup (NM_001374258.1, NM_001374244.1); c.1519_1526+1dup (NM_001378467.1); c.1354_1361+1dup (NM_001378472.1, NM_001378473.1); c.1444_1451+1dup (NM_001378469.1).
Identifiers: ClinVar variation 4530172 (VCV004530172.1).